The following is an entry in ClinVar:

NM_000143.4(FH):c.203A>C (p.Tyr68Ser)

Gene: FH (fumarate hydratase; minus strand). Cytogenetic location: 1q43.
Variant type: single nucleotide variant.
Coding change: c.203A>C on transcript NM_000143.4 (MANE Select); coding-DNA position 203, A replaced by C.
Protein change: p.Tyr68Ser; replaces tyrosine 68 with serine.
Molecular consequence: missense variant.
Genome position (GRCh38, 1-based): chr1:241,517,246, T>G on the plus strand (A>C on the coding strand, the complement: FH is on the minus strand). VCF-style: chr1-241517246-T-G. GRCh37 (hg19) VCF-style: chr1-241680546-T-G.
Other names: short protein forms Y68S.
Identifiers: ClinVar variation 3719072 (VCV003719072.3).
Genomic context (GRCh38, chr1:241,517,246, plus strand): 5'-ATGCGTTCTGTCACACCTCCAATCTTAAAGTTCATCGTAGATCTCACGGTCTGGGCGCCA[T>G]AATACTTATCATTTGGCACCTTTAGTTCACCAAAGGTATCATATTCTATCCGGAAGGAAT-3'
Protein context (NP_000134.2, residues 58-78): GELKVPNDKY[Tyr68Ser]GAQTVRSTMN

ClinVar aggregate classification (germline): Conflicting classifications of pathogenicity. Review status: criteria provided, conflicting classifications (1 of 4 stars). 2 submissions from 2 submitters: Likely pathogenic (1); Uncertain significance (1). Last evaluated 2026-05-13.

Conditions:
Hereditary cancer-predisposing syndrome. Also called: Hereditary Cancer Syndrome; Hereditary neoplastic syndrome; Neoplastic Syndromes, Hereditary; Tumor predisposition. Identifiers: Orphanet 140162, MedGen C0027672, MeSH D009386, MONDO:0015356.

Submissions (2):

Ambry Genetics
Classification: Likely pathogenic for Hereditary cancer-predisposing syndrome. Last evaluated: 2026-05-13. Review status: criteria provided, single submitter. Criteria: Ambry Variant Classification Scheme 2023. Collection method: clinical testing. Allele origin: germline.
Comment: The p.Y68S variant (also known as c.203A>C), located in coding exon 2 of the FH gene, results from an A to C substitution at nucleotide position 203. The tyrosine at codon 68 is replaced by serine, an amino acid with dissimilar properties. This variant was reported in individual(s) with features consistent with FH-related tumor predisposition (Ambry internal data). This amino acid position is highly conserved in available vertebrate species. In addition, this alteration is predicted to be deleterious by in silico analysis. This variant is considered to be rare based on population cohorts in the Genome Aggregation Database (gnomAD). Based on the majority of available evidence to date, this variant is likely to be pathogenic.

Labcorp Genetics (formerly Invitae), Labcorp
Classification: Uncertain significance. Last evaluated: 2024-12-22. Review status: criteria provided, single submitter. Criteria: Invitae Variant Classification Sherloc (09022015). Collection method: clinical testing. Allele origin: germline.
Comment: This sequence change replaces tyrosine, which is neutral and polar, with serine, which is neutral and polar, at codon 68 of the FH protein (p.Tyr68Ser). This variant is not present in population databases (gnomAD no frequency). This variant has not been reported in the literature in individuals affected with FH-related conditions. Invitae Evidence Modeling of protein sequence and biophysical properties (such as structural, functional, and spatial information, amino acid conservation, physicochemical variation, residue mobility, and thermodynamic stability) indicates that this missense variant is expected to disrupt FH protein function with a positive predictive value of 95%. In summary, the available evidence is currently insufficient to determine the role of this variant in disease. Therefore, it has been classified as a Variant of Uncertain Significance.